The following is an entry in ClinVar:

ClinVar aggregate classification (germline): Uncertain significance (1 of 4 stars; one submission).

Conditions:
Weiss-Kruszka syndrome. Also called: Metopic ridging-ptosis-facial dysmorphism syndrome. Identifiers: Orphanet 502430, MedGen C5568107, MONDO:0032836, OMIM 618619.

Allele frequency attached by ClinVar (database versions not stated): gnomAD 0.00001; TOPMed 0.00001; 1000 Genomes Project 30x 0.00016; 1000 Genomes Project 0.00020.
gnomAD v4.1: 17 of 1,614,094 alleles (0.0011%); highest among the groups gnomAD compares: Admixed American, 0.0033%; no homozygotes.

Submission:

Victorian Clinical Genetics Services, Murdoch Childrens Research Institute
Classification: Uncertain significance for Weiss-Kruszka syndrome. Last evaluated: 2020-05-21. Review status: criteria provided, single submitter. Criteria: ACMG Guidelines, 2015. Collection method: clinical testing. Allele origin: germline. Inheritance: Autosomal dominant inheritance.
Comment: A heterozygous missense variant was identified, NM_021224.5(ZNF462):c.2966C>T in exon 3 of the ZNF462 gene. This substitution is predicted to create a minor amino acid change from an alanine to a valine at position 989 of the protein; NP_067047.4(ZNF462):p.(Ala989Val). The alanine at this position has low conservation (100 vertebrates, UCSC), and is not situated in a known functional domain (NCBI, PDB). In silico software predictions of the pathogenicity of this variant are conflicting (PolyPhen2, PROVEAN, FATHMM, Mutation Assessor). The variant is present in the gnomAD population database at a frequency of 0.0008% (2 heterozygotes, 0 homozygotes). This variant has not previously been reported in clinical cases. Based on information available at the time of curation, this variant has been classified as a VUS with LOW CLINICAL RELEVANCE.

NM_021224.6(ZNF462):c.2966C>T (p.Ala989Val)

Gene: ZNF462 (zinc finger protein 462; plus strand). Cytogenetic location: 9q31.2.
Variant type: single nucleotide variant.
Coding change: c.2966C>T on transcript NM_021224.6 (MANE Select); coding-DNA position 2966, C replaced by T.
Protein change: p.Ala989Val; replaces alanine 989 with valine.
Molecular consequence: missense variant.
Genome position (GRCh38, 1-based): chr9:106,926,878, C>T. VCF-style: chr9-106926878-C-T. GRCh37 (hg19) VCF-style: chr9-109689159-C-T.
Other names: c.2966C>T, p.Ala989Val (NM_001347997.2); short protein forms A989V.
Identifiers: ClinVar variation 1806316 (VCV001806316.1), dbSNP rs538337965, ClinGen allele CA197489590.
Genomic context (GRCh38, chr9:106,926,878, plus strand): 5'-GGCTGAATACAGAATCCCAGACCCTGAGGGAGATTCTGAATTCGGCTCCCAAGAACATGG[C>T]GACTTCCACACCTGTGGCTCGTGGTGGTGGTTTGCCAGCTACGTTCAACAAAAACACTCC-3'
Protein context (NP_067047.4, residues 979-999): EILNSAPKNM[Ala989Val]TSTPVARGGG